The following is an entry in ClinVar:

ClinVar aggregate classification (germline): Uncertain significance (1 of 4 stars; one submission).

Conditions:
Hereditary diffuse gastric adenocarcinoma (HDGC). Also called: DIFFUSE GASTRIC AND LOBULAR BREAST CANCER SYNDROME. Identifiers: Orphanet 26106, MedGen C1708349, MONDO:0007648, OMIM 137215.

Submission:

Labcorp Genetics (formerly Invitae), Labcorp
Classification: Uncertain significance for Hereditary diffuse gastric adenocarcinoma. Last evaluated: 2021-10-23. Review status: criteria provided, single submitter. Criteria: Invitae Variant Classification Sherloc (09022015). Collection method: clinical testing. Allele origin: germline.
Comment: In summary, the available evidence is currently insufficient to determine the role of this variant in disease. Therefore, it has been classified as a Variant of Uncertain Significance. This sequence change replaces glycine, which is neutral and non-polar, with aspartic acid, which is acidic and polar, at codon 148 of the CDH1 protein (p.Gly148Asp). This variant is not present in population databases (gnomAD no frequency). This variant has not been reported in the literature in individuals affected with CDH1-related conditions. Algorithms developed to predict the effect of missense changes on protein structure and function (SIFT, PolyPhen-2, Align-GVGD) all suggest that this variant is likely to be disruptive.

NM_004360.5(CDH1):c.443G>A (p.Gly148Asp)

Gene: CDH1 (cadherin 1; plus strand). Cytogenetic location: 16q22.1.
Variant type: single nucleotide variant.
Coding change: c.443G>A on transcript NM_004360.5 (MANE Select); coding-DNA position 443, G replaced by A.
Protein change: p.Gly148Asp; replaces glycine 148 with aspartic acid.
Molecular consequence: missense variant. On other transcripts: 5 prime UTR variant (2).
Genome position (GRCh38, 1-based): chr16:68,808,479, G>A. VCF-style: chr16-68808479-G-A. GRCh37 (hg19) VCF-style: chr16-68842382-G-A.
Other names: c.443G>A, p.Gly148Asp (NM_001317184.2); c.-1173G>A (NM_001317185.2); c.-1377G>A (NM_001317186.2); short protein forms G148D.
Identifiers: ClinVar variation 1483951 (VCV001483951.6), dbSNP rs1960726961, ClinGen allele CA396457627.